The following is an entry in ClinVar:

ClinVar aggregate classification (germline): Likely benign. Review status: criteria provided, multiple submitters, no conflicts (2 of 4 stars). 2 submissions from 2 submitters: Likely benign (2). Last evaluated 2026-08-01.

Allele frequency attached by ClinVar (database versions not stated): TOPMed below 0.00001.
gnomAD v4.1: 9 of 1,610,376 alleles (0.00056%); highest among the groups gnomAD compares: Admixed American, 0.015%; no homozygotes.

Submissions (2):

CeGaT Center for Human Genetics Tuebingen
Classification: Likely benign. Last evaluated: 2026-08-01. Review status: criteria provided, single submitter. Criteria: CeGaT Center For Human Genetics Tuebingen Variant Classification Criteria Version 2. Collection method: clinical testing. Allele origin: germline. Affected: yes. Observed: 1 variant allele.
Comment: DHX37: BP4, BP7

Labcorp Genetics (formerly Invitae), Labcorp
Classification: Likely benign. Last evaluated: 2022-10-26. Review status: criteria provided, single submitter. Criteria: Invitae Variant Classification Sherloc (09022015). Collection method: clinical testing. Allele origin: germline.

NM_032656.4(DHX37):c.627C>A (p.Pro209=)

Gene: DHX37 (DEAH-box helicase 37; minus strand). Cytogenetic location: 12q24.31.
Variant type: single nucleotide variant.
Coding change: c.627C>A on transcript NM_032656.4 (MANE Select); coding-DNA position 627, C replaced by A.
Protein change: p.Pro209=; no amino-acid change (proline 209 retained).
Molecular consequence: synonymous variant.
Genome position (GRCh38, 1-based): chr12:124,980,601, G>T on the plus strand (C>A on the coding strand, the complement: DHX37 is on the minus strand). VCF-style: chr12-124980601-G-T. GRCh37 (hg19) VCF-style: chr12-125465147-G-T.
Identifiers: ClinVar variation 2081499 (VCV002081499.5), dbSNP rs762614221, ClinGen allele CA6872399.
Genomic context (GRCh38, chr12:124,980,601, plus strand): 5'-GGCCCTGGGCAGTGGTGGGGCTGCAGCTGGAGGAGGAGGAACAGTCATCCCAGCCGGCAC[G>T]GGCTGACTGCTGGGTGCTGGAGCTGGCGGCAGAGGTGCCACGGTGGTCCCCACACCAGCC-3'
Protein context (NP_116045.2, residues 199-219): LPPAPAPSSQ[Pro209=]VPAGMTVPPP